The following is an entry in ClinVar:

NM_144997.7(FLCN):c.1282C>A (p.Pro428Thr)

Gene: FLCN (folliculin; minus strand). Cytogenetic location: 17p11.2.
Variant type: single nucleotide variant.
Coding change: c.1282C>A on transcript NM_144997.7 (MANE Select); coding-DNA position 1282, C replaced by A.
Protein change: p.Pro428Thr; replaces proline 428 with threonine.
Molecular consequence: missense variant.
Genome position (GRCh38, 1-based): chr17:17,216,398, G>T on the plus strand (C>A on the coding strand, the complement: FLCN is on the minus strand). VCF-style: chr17-17216398-G-T. GRCh37 (hg19) VCF-style: chr17-17119712-G-T.
Other names: c.1336C>A, p.Pro446Thr (NM_001353229.2); c.1282C>A, p.Pro428Thr (NM_001353230.2, NM_001353231.2); short protein forms P428T, P446T.
Identifiers: ClinVar variation 1038509 (VCV001038509.8), dbSNP rs368880414, ClinGen allele CA398531632.

ClinVar aggregate classification (germline): Uncertain significance. Review status: criteria provided, multiple submitters, no conflicts (2 of 4 stars). 2 submissions from 2 submitters: Uncertain significance (2). Last evaluated 2024-09-10.

Conditions:
Hereditary cancer-predisposing syndrome. Also called: Neoplastic Syndromes, Hereditary; Hereditary Cancer Syndrome; Tumor predisposition; Hereditary neoplastic syndrome. Identifiers: Orphanet 140162, MedGen C0027672, MeSH D009386, MONDO:0015356.
Birt-Hogg-Dube syndrome. Also called: Birt Hogg Dubé syndrome. Identifiers: Orphanet 122, MedGen C0346010, MONDO:0800444.

Submissions (2):

Ambry Genetics
Classification: Uncertain significance for Hereditary cancer-predisposing syndrome. Last evaluated: 2024-09-10. Review status: criteria provided, single submitter. Criteria: Ambry Variant Classification Scheme 2023. Collection method: clinical testing. Allele origin: germline.
Comment: The p.P428T variant (also known as c.1282C>A), located in coding exon 8 of the FLCN gene, results from a C to A substitution at nucleotide position 1282. The proline at codon 428 is replaced by threonine, an amino acid with highly similar properties. This amino acid position is poorly conserved in available vertebrate species. In addition, this alteration is predicted to be tolerated by in silico analysis. Since supporting evidence is limited at this time, the clinical significance of this alteration remains unclear.

Labcorp Genetics (formerly Invitae), Labcorp
Classification: Uncertain significance for Birt-Hogg-Dube syndrome. Last evaluated: 2023-08-17. Review status: criteria provided, single submitter. Criteria: Invitae Variant Classification Sherloc (09022015). Collection method: clinical testing. Allele origin: germline.
Comment: This sequence change replaces proline, which is neutral and non-polar, with threonine, which is neutral and polar, at codon 428 of the FLCN protein (p.Pro428Thr). In summary, the available evidence is currently insufficient to determine the role of this variant in disease. Therefore, it has been classified as a Variant of Uncertain Significance. Advanced modeling of protein sequence and biophysical properties (such as structural, functional, and spatial information, amino acid conservation, physicochemical variation, residue mobility, and thermodynamic stability) performed at Invitae indicates that this missense variant is not expected to disrupt FLCN protein function. ClinVar contains an entry for this variant (Variation ID: 1038509). This variant has not been reported in the literature in individuals affected with FLCN-related conditions. This variant is not present in population databases (gnomAD no frequency).